The following is an entry in ClinVar:

NM_023067.4(FOXL2):c.233C>A (p.Ser78Tyr)

Gene: FOXL2 (forkhead box L2; minus strand). Cytogenetic location: 3q22.3.
Variant type: single nucleotide variant.
Coding change: c.233C>A on transcript NM_023067.4 (MANE Select); coding-DNA position 233, C replaced by A.
Protein change: p.Ser78Tyr; replaces serine 78 with tyrosine.
Molecular consequence: missense variant.
Genome position (GRCh38, 1-based): chr3:138,946,490, G>T on the plus strand (C>A on the coding strand, the complement: FOXL2 is on the minus strand). VCF-style: chr3-138946490-G-T. GRCh37 (hg19) VCF-style: chr3-138665332-G-T.
Other names: short protein forms S78Y.
Identifiers: ClinVar variation 369895 (VCV000369895.3), dbSNP rs1057516147, ClinGen allele CA10654899.

ClinVar aggregate classification (germline): Uncertain significance. Review status: criteria provided, multiple submitters, no conflicts (2 of 4 stars). 2 submissions from 2 submitters: Uncertain significance (2). Last evaluated 2022-04-08.

Conditions:
Inborn genetic diseases. Identifiers: MedGen C0950123, MeSH D030342.
Blepharophimosis, ptosis, and epicanthus inversus syndrome. Identifiers: Orphanet 126, MedGen C0220663, MONDO:0007201, OMIM 110100.

Submissions (2):

Ambry Genetics
Classification: Uncertain significance for Inborn genetic diseases. Last evaluated: 2022-04-08. Review status: criteria provided, single submitter. Criteria: Ambry Variant Classification Scheme 2023. Collection method: clinical testing. Allele origin: germline.

Genomic Diagnostic Laboratory, Division of Genomic Diagnostics, Children's Hospital of Philadelphia
Classification: Uncertain significance for Blepharophimosis, ptosis, and epicanthus inversus syndrome. Last evaluated: 2016-11-03. Review status: criteria provided, single submitter. Criteria: DGD Variant Analysis Guidelines. Collection method: clinical testing. Allele origin: germline. Observed: 2 variant alleles.
Comment: Clinical Testing